The following is an entry in ClinVar:

NM_015627.3(LDLRAP1):c.392A>G (p.Tyr131Cys)

Gene: LDLRAP1 (low density lipoprotein receptor adaptor protein 1; plus strand). Cytogenetic location: 1p36.11.
Variant type: single nucleotide variant.
Coding change: c.392A>G on transcript NM_015627.3 (MANE Select); coding-DNA position 392, A replaced by G.
Protein change: p.Tyr131Cys; replaces tyrosine 131 with cysteine.
Molecular consequence: missense variant.
Genome position (GRCh38, 1-based): chr1:25,557,200, A>G. VCF-style: chr1-25557200-A-G. GRCh37 (hg19) VCF-style: chr1-25883691-A-G.
Other names: short protein forms Y131C.
Identifiers: ClinVar variation 4097181 (VCV004097181.1).

ClinVar aggregate classification (germline): Uncertain significance (1 of 4 stars; one submission).

Conditions:
Cardiovascular phenotype. Identifiers: MedGen CN230736.

gnomAD v4.1: 2 of 1,614,174 alleles (0.00012%); no homozygotes.

Submission:

Ambry Genetics
Classification: Uncertain significance for Cardiovascular phenotype. Last evaluated: 2025-09-04. Review status: criteria provided, single submitter. Criteria: Ambry Variant Classification Scheme 2023. Collection method: clinical testing. Allele origin: germline.
Comment: The p.Y131C variant (also known as c.392A>G), located in coding exon 4 of the LDLRAP1 gene, results from an A to G substitution at nucleotide position 392. The tyrosine at codon 131 is replaced by cysteine, an amino acid with highly dissimilar properties. This amino acid position is conserved. In addition, this alteration is predicted to be deleterious by in silico analysis. Based on the available evidence, the clinical significance of this variant remains unclear.